The following is an entry in ClinVar:

ClinVar aggregate classification (germline): Uncertain significance (1 of 4 stars; one submission).

Conditions:
EGFR-related lung cancer (EGFR). Identifiers: MedGen CN130014.

Allele frequency attached by ClinVar (database versions not stated): gnomAD exomes below 0.00001; gnomAD 0.00001; TOPMed 0.00001.
gnomAD v4.1: 2 of 1,614,122 alleles (0.00012%); highest among the groups gnomAD compares: East Asian, 0.0022%; no homozygotes.

Submission:

Labcorp Genetics (formerly Invitae), Labcorp
Classification: Uncertain significance for EGFR-related lung cancer. Last evaluated: 2025-11-09. Review status: criteria provided, single submitter. Criteria: Invitae Variant Classification Sherloc (09022015). Collection method: clinical testing. Allele origin: germline.
Comment: This sequence change replaces aspartic acid, which is acidic and polar, with asparagine, which is neutral and polar, at codon 537 of the EGFR protein (p.Asp537Asn). This variant is not present in population databases (gnomAD no frequency). This variant has not been reported in the literature in individuals affected with EGFR-related conditions. ClinVar contains an entry for this variant (Variation ID: 1476335). Invitae Evidence Modeling of protein sequence and biophysical properties (such as structural, functional, and spatial information, amino acid conservation, physicochemical variation, residue mobility, and thermodynamic stability) indicates that this missense variant is not expected to disrupt EGFR protein function with a negative predictive value of 80%. In summary, the available evidence is currently insufficient to determine the role of this variant in disease. Therefore, it has been classified as a Variant of Uncertain Significance.

NM_005228.5(EGFR):c.1609G>A (p.Asp537Asn)

Gene: EGFR (epidermal growth factor receptor; plus strand). Cytogenetic location: 7p11.2.
Variant type: single nucleotide variant.
Coding change: c.1609G>A on transcript NM_005228.5 (MANE Select); coding-DNA position 1609, G replaced by A.
Protein change: p.Asp537Asn; replaces aspartic acid 537 with asparagine.
Molecular consequence: missense variant.
Genome position (GRCh38, 1-based): chr7:55,161,609, G>A. VCF-style: chr7-55161609-G-A. GRCh37 (hg19) VCF-style: chr7-55229302-G-A.
Other names: c.1474G>A, p.Asp492Asn (NM_001346897.2, NM_001346899.2); c.1609G>A, p.Asp537Asn (NM_001346898.2, NM_201282.2, NM_201284.2); c.1450G>A, p.Asp484Asn (NM_001346900.2); c.808G>A, p.Asp270Asn (NM_001346941.2); short protein forms D270N, D492N, D484N, D537N.
Identifiers: ClinVar variation 1476335 (VCV001476335.8), dbSNP rs1038997598, ClinGen allele CA158918413.